The following is an entry in ClinVar:

NM_007294.4(BRCA1):c.3420dup (p.His1141fs)

Genes: BRCA1 (BRCA1 DNA repair associated; minus strand), LOC126862571 (BRD4-independent group 4 enhancer GRCh37_chr17:41243136-41244335; plus strand). Cytogenetic location: 17q21.31.
Variant type: Duplication.
Coding change: c.3420dup on transcript NM_007294.4 (MANE Select); coding-DNA position 3420, one base duplicated (T; older notation c.3420dupT).
Protein change: p.His1141fs; shifts the reading frame from histidine 1141.
Molecular consequence: frameshift variant. On other transcripts: intron variant (135).
Genome position (GRCh38, 1-based): chr17:43,092,111, A duplicated on the plus strand (T on the coding strand, the reverse complement: BRCA1 is on the minus strand). VCF-style (leftmost placement, unchanged base first): chr17-43092110-G-GA. GRCh37 (hg19) VCF-style: chr17-41244127-G-GA.
Other names: c.3420dupT (NM_007294.3); c.3207dup, p.His1070fs (NM_001407571.1, NM_001407853.1, NM_001407894.1 and 9 more transcripts); c.3420dup, p.His1141fs (NM_001407581.1, NM_001407582.1, NM_001407583.1 and 30 more transcripts); c.3417dup, p.His1140fs (NM_001407587.1, NM_001407590.1, NM_001407591.1 and 22 more transcripts); c.3411dup, p.His1138fs (NM_001407646.1, NM_001407647.1); c.3297dup, p.His1100fs (NM_001407648.1, NM_001407664.1, NM_001407665.1 and 19 more transcripts); c.3294dup, p.His1099fs (NM_001407649.1, NM_001407670.1, NM_001407671.1 and 11 more transcripts); c.3342dup, p.His1115fs (NM_001407653.1, NM_001407654.1, NM_001407655.1 and 4 more transcripts); and 42 more; short protein forms H1094fs, H1141fs, H1070fs, H1100fs, H1115fs, H845fs, H1030fs, H1053fs.
Identifiers: ClinVar variation 54877 (VCV000054877.3), dbSNP rs397509065, ClinGen allele CA327866.

ClinVar aggregate classification (germline): Pathogenic. Review status: reviewed by expert panel (3 of 4 stars). 2 submissions from 2 submitters: Pathogenic (1). 1 of the submissions does not count toward it. Last evaluated 2017-12-15.

Conditions:
Breast-ovarian cancer, familial, susceptibility to, 1 (BROVCA1). Also called: OVARIAN CANCER, SUSCEPTIBILITY TO; BRCA1 Hereditary Breast and Ovarian Cancer. Identifiers: Orphanet 145, MedGen C2676676, MONDO:0011450, OMIM 604370. Disease mechanism: loss of function.
Familial cancer of breast. Also called: Hereditary breast cancer; hereditary breast carcinoma; BREAST CANCER, FAMILIAL. Identifiers: Orphanet 227535, MedGen C0346153, MONDO:0016419, OMIM 114480. Disease mechanism: loss of function.

Submissions (2):

Evidence-based Network for the Interpretation of Germline Mutant Alleles (ENIGMA)
Classification: Pathogenic for Breast-ovarian cancer, familial, susceptibility to, 1. Last evaluated: 2017-12-15. Review status: reviewed by expert panel. Criteria: ENIGMA BRCA1/2 Classification Criteria (2017-06-29). Collection method: curation. Allele origin: germline. Study: ENIGMA.
Comment: Variant allele predicted to encode a truncated non-functional protein.

ClinVar Staff, National Center for Biotechnology Information (NCBI)
No classification provided. Condition: Familial cancer of breast. Review status: no classification provided. Collection method: literature only. Allele origin: germline. Affected: yes. Not counted in ClinVar's aggregate classification.

Literature cited by the submitters: PubMed 17557253 (cited by ClinVar Staff, National Center for Biotechnology Information (NCBI)).